The following is an entry in ClinVar:

ClinVar aggregate classification (germline): Uncertain significance (1 of 4 stars; one submission).

Conditions:
Cardiovascular phenotype. Identifiers: MedGen CN230736.

Submission:

Ambry Genetics
Classification: Uncertain significance for Cardiovascular phenotype. Last evaluated: 2024-04-27. Review status: criteria provided, single submitter. Criteria: Ambry Variant Classification Scheme 2023. Collection method: clinical testing. Allele origin: germline.
Comment: The p.A159V variant (also known as c.476C>T), located in coding exon 4 of the GPD1L gene, results from a C to T substitution at nucleotide position 476. The alanine at codon 159 is replaced by valine, an amino acid with similar properties. This amino acid position is conserved. In addition, the in silico prediction for this alteration is inconclusive. Based on the available evidence, the clinical significance of this variant remains unclear.

NM_015141.4(GPD1L):c.476C>T (p.Ala159Val)

Gene: GPD1L (glycerol-3-phosphate dehydrogenase 1 like; plus strand). Cytogenetic location: 3p22.3.
Variant type: single nucleotide variant.
Coding change: c.476C>T on transcript NM_015141.4 (MANE Select); coding-DNA position 476, C replaced by T.
Protein change: p.Ala159Val; replaces alanine 159 with valine.
Molecular consequence: missense variant.
Genome position (GRCh38, 1-based): chr3:32,140,337, C>T. VCF-style: chr3-32140337-C-T. GRCh37 (hg19) VCF-style: chr3-32181829-C-T.
Other names: short protein forms A159V.
Identifiers: ClinVar variation 3282142 (VCV003282142.1).